The following is an entry in ClinVar:

NM_006767.4(LZTR1):c.1616G>A (p.Gly539Asp)

Gene: LZTR1 (leucine zipper like post translational regulator 1; plus strand). Cytogenetic location: 22q11.21.
Variant type: single nucleotide variant.
Coding change: c.1616G>A on transcript NM_006767.4 (MANE Select); coding-DNA position 1616, G replaced by A.
Protein change: p.Gly539Asp; replaces glycine 539 with aspartic acid.
Molecular consequence: missense variant.
Genome position (GRCh38, 1-based): chr22:20,994,558, G>A. VCF-style: chr22-20994558-G-A. GRCh37 (hg19) VCF-style: chr22-21348847-G-A.
Other names: short protein forms G539D.
Identifiers: ClinVar variation 1307530 (VCV001307530.7), dbSNP rs746896119, ClinGen allele CA10119006.
Genomic context (GRCh38, chr22:20,994,558, plus strand): 5'-CGCCCTGTGCCCTGCCCTCCCCTCTCCGGCTCCCTGAGATTCGGGGGCTCTGGGGCGCAG[G>A]CCATGTGGAGGATGTGCTGCTCATCATGGATGTGTACAAACTGGCACTGAGCTTCCAGTT-3'
Protein context (NP_006758.2, residues 529-549): YTDKIKYPRK[Gly539Asp]HVEDVLLIMD

ClinVar aggregate classification (germline): Uncertain significance. Review status: criteria provided, multiple submitters, no conflicts (2 of 4 stars). 4 submissions from 4 submitters: Uncertain significance (4). Last evaluated 2026-01-26.

Conditions:
Cardiovascular phenotype. Identifiers: MedGen CN230736.
Hereditary cancer-predisposing syndrome. Also called: Tumor predisposition; Neoplastic Syndromes, Hereditary; Hereditary Cancer Syndrome; Hereditary neoplastic syndrome. Identifiers: Orphanet 140162, MedGen C0027672, MeSH D009386, MONDO:0015356.

Allele frequency attached by ClinVar (database versions not stated): gnomAD exomes below 0.00001; ExAC 0.00001.
gnomAD v4.1: 2 of 1,608,924 alleles (0.00012%); highest among the groups gnomAD compares: South Asian, 0.0011%; no homozygotes.

Submissions (4):

Labcorp Genetics (formerly Invitae), Labcorp
Classification: Uncertain significance. Last evaluated: 2026-01-26. Review status: criteria provided, single submitter. Criteria: Invitae Variant Classification Sherloc (09022015). Collection method: clinical testing. Allele origin: germline.
Comment: This sequence change replaces glycine, which is neutral and non-polar, with aspartic acid, which is acidic and polar, at codon 539 of the LZTR1 protein (p.Gly539Asp). The frequency data for this variant in the population databases is considered unreliable, as metrics indicate poor data quality at this position in the gnomAD database. This variant has not been reported in the literature in individuals affected with LZTR1-related conditions. ClinVar contains an entry for this variant (Variation ID: 1307530). An algorithm developed to predict the effect of missense changes on protein structure and function (PolyPhen-2) suggests that this variant is likely to be tolerated. In summary, the available evidence is currently insufficient to determine the role of this variant in disease. Therefore, it has been classified as a Variant of Uncertain Significance.

Women's Health and Genetics/Laboratory Corporation of America, LabCorp
Classification: Uncertain significance. Last evaluated: 2025-12-01. Review status: criteria provided, single submitter. Criteria: LabCorp Variant Classification Summary - May 2015. Collection method: clinical testing. Allele origin: germline.
Comment: Variant summary: LZTR1 c.1616G>A (p.Gly539Asp) results in a non-conservative amino acid change in the encoded protein sequence. Algorithms developed to predict the effect of missense changes on protein structure and function are either unavailable or do not agree on the potential impact of this missense change. Consensus agreement among computation tools predict no significant impact on normal splicing. However, these predictions have yet to be confirmed by functional studies. The variant allele was found at a frequency of 4e-06 in 247674 control chromosomes. The available data on variant occurrences in the general population are insufficient to allow any conclusion about variant significance. To our knowledge, no occurrence of c.1616G>A in individuals affected with LZTR1-related conditions and no experimental evidence demonstrating its impact on protein function have been reported. The following publication has been ascertained in the context of this evaluation (PMID: 40803040). ClinVar contains an entry for this variant (Variation ID: 1307530). Based on the evidence outlined above, the variant was classified as uncertain significance.

Ambry Genetics
Classification: Uncertain significance for Cardiovascular phenotype; Hereditary cancer-predisposing syndrome. Last evaluated: 2025-10-22. Review status: criteria provided, single submitter. Criteria: Ambry Variant Classification Scheme 2023. Collection method: clinical testing. Allele origin: germline.
Comment: The p.G539D variant (also known as c.1616G>A) is located in coding exon 15 of the LZTR1 gene. The glycine at codon 539 is replaced by aspartic acid, an amino acid with similar properties. This change occurs in the first base pair of coding exon 15. This amino acid position is conserved. In addition, the in silico prediction for this alteration is inconclusive. Since supporting evidence is limited at this time, the clinical significance of this alteration remains unclear.

GeneDx
Classification: Uncertain significance. Last evaluated: 2019-07-30. Review status: criteria provided, single submitter. Criteria: GeneDx Variant Classification Process June 2021. Collection method: clinical testing. Allele origin: germline. Affected: yes.
Comment: Not observed at a significant frequency in large population cohorts (Lek et al., 2016); In silico analysis, which includes protein predictors and evolutionary conservation, supports that this variant does not alter protein structure/function; Has not been previously published as pathogenic or benign to our knowledge

Literature cited by the submitters: PubMed 40803040 (cited by Women's Health and Genetics/Laboratory Corporation of America, LabCorp).